The following is an entry in ClinVar:

ClinVar aggregate classification (germline): Pathogenic. Review status: criteria provided, multiple submitters, no conflicts (2 of 4 stars). 2 submissions from 2 submitters: Pathogenic (2). Last evaluated 2024-10-16.

Conditions:
Leber congenital amaurosis (LCA). Also called: Leber's amaurosis. Identifiers: Orphanet 65, MedGen C0339527, MeSH D057130, MONDO:0018998.
Leber congenital amaurosis 6 (LCA6). Identifiers: Orphanet 65, MedGen C1854260, MONDO:0013446, OMIM 613826.
Cone-rod dystrophy 13 (CORD13). Identifiers: Orphanet 1872, MedGen C2750720, MONDO:0011987, OMIM 608194.

Allele frequency attached by ClinVar (database versions not stated): gnomAD exomes below 0.00001.

Submissions (2):

Labcorp Genetics (formerly Invitae), Labcorp
Classification: Pathogenic for Leber congenital amaurosis 6; Cone-rod dystrophy 13. Last evaluated: 2024-10-16. Review status: criteria provided, single submitter. Criteria: Invitae Variant Classification Sherloc (09022015). Collection method: clinical testing. Allele origin: germline.
Comment: This sequence change creates a premature translational stop signal (p.Leu406Tyrfs*36) in the RPGRIP1 gene. It is expected to result in an absent or disrupted protein product. Loss-of-function variants in RPGRIP1 are known to be pathogenic (PMID: 11528500, 23105016). This variant is not present in population databases (gnomAD no frequency). This premature translational stop signal has been observed in individual(s) with Leber congenital amaurosis (PMID: 33308271). For these reasons, this variant has been classified as Pathogenic.

Women's Health and Genetics/Laboratory Corporation of America, LabCorp
Classification: Pathogenic for Leber congenital amaurosis. Last evaluated: 2023-12-08. Review status: criteria provided, single submitter. Criteria: LabCorp Variant Classification Summary - May 2015. Collection method: clinical testing. Allele origin: germline.
Comment: Variant summary: RPGRIP1 c.1216delC (p.Leu406TyrfsX36) results in a premature termination codon, predicted to cause a truncation of the encoded protein or absence of the protein due to nonsense mediated decay, which are commonly known mechanisms for disease. The variant was absent in 221782 control chromosomes. c.1216delC has been reported in the literature in the homozygous state in individuals affected with Leber Congenital Amaurosis (e.g. Skorczyk-Werner_2020). These data indicate that the variant is likely to be associated with disease. To our knowledge, no experimental evidence demonstrating an impact on protein function has been reported. The following publication has been ascertained in the context of this evaluation (PMID: 33308271). No submitters have cited clinical-significance assessments for this variant to ClinVar after 2014. Based on the evidence outlined above, the variant was classified as pathogenic.

Literature cited by the submitters: PubMed 11528500 (cited by Labcorp Genetics (formerly Invitae), Labcorp); PubMed 23105016 (cited by Labcorp Genetics (formerly Invitae), Labcorp); PubMed 33308271 (cited by Labcorp Genetics (formerly Invitae), Labcorp and Women's Health and Genetics/Laboratory Corporation of America, LabCorp).

NM_020366.4(RPGRIP1):c.1216del (p.Leu406fs)

Gene: RPGRIP1 (RPGR interacting protein 1; plus strand). Cytogenetic location: 14q11.2.
Variant type: Deletion.
Coding change: c.1216del on transcript NM_020366.4 (MANE Select); coding-DNA position 1216, one base deleted (C; older notation c.1216delC).
Protein change: p.Leu406fs; shifts the reading frame from leucine 406.
Molecular consequence: frameshift variant.
Genome position (GRCh38, 1-based): chr14:21,317,760, C deleted. VCF-style (leftmost placement, unchanged base first): chr14-21317759-GC-G. GRCh37 (hg19) VCF-style: chr14-21785918-GC-G.
Other names: c.142del, p.Leu48fs (NM_001377523.1, NM_001377948.1, NM_001377949.1 and 1 more transcripts); c.1216delC (NM_020366.4); short protein forms L406fs, L48fs.
Identifiers: ClinVar variation 2691560 (VCV002691560.3), dbSNP rs1439947338, ClinGen allele CA704077290.